The following is an entry in ClinVar:

ClinVar aggregate classification (germline): Uncertain significance. Review status: criteria provided, multiple submitters, no conflicts (2 of 4 stars). 4 submissions from 4 submitters: Uncertain significance (3). 1 of the submissions does not count toward it. Last evaluated 2024-07-11.

Conditions:
Joubert syndrome. Also called: Familial aplasia of the vermis; CEREBELLOPARENCHYMAL DISORDER IV; JOUBERT-BOLTSHAUSER SYNDROME. Identifiers: Orphanet 475, MedGen C5979921, MONDO:0018772.
Meckel-Gruber syndrome. Also called: Dysencephalia splachnocystica; DYSENCEPHALIA SPLANCHNOCYSTICA; GRUBER SYNDROME. Identifiers: Orphanet 564, MedGen C0265215, MONDO:0018921.
Nephronophthisis. Also called: Juvenile Nephronophthisis. Identifiers: Orphanet 655, MedGen C0687120, MONDO:0019005, HP:0000090.
Bardet-Biedl syndrome 14 (BBS14). Identifiers: Orphanet 110, MedGen C2673874, MONDO:0014442, OMIM 615991.
Leber congenital amaurosis (LCA). Also called: Leber's amaurosis. Identifiers: Orphanet 65, MedGen C0339527, MeSH D057130, MONDO:0018998.

Allele frequency attached by ClinVar (database versions not stated): gnomAD 0.00001; gnomAD exomes 0.00001 and below 0.00001; 1000 Genomes Project 30x 0.00016; 1000 Genomes Project 0.00020; ExAC 0.00001.
gnomAD v4.1: 6 of 1,606,602 alleles (0.00037%); highest among the groups gnomAD compares: South Asian, 0.0067%; no homozygotes.

Submissions (4):

GeneDx
Classification: Uncertain significance. Last evaluated: 2024-07-11. Review status: criteria provided, single submitter. Criteria: GeneDx Variant Classification Process June 2021. Collection method: clinical testing. Allele origin: germline. Affected: yes.
Comment: Not observed at significant frequency in large population cohorts (gnomAD); In silico analysis supports that this missense variant has a deleterious effect on protein structure/function; Has not been previously published as pathogenic or benign to our knowledge

Labcorp Genetics (formerly Invitae), Labcorp
Classification: Uncertain significance for Joubert syndrome; Meckel-Gruber syndrome; Nephronophthisis. Last evaluated: 2021-09-01. Review status: criteria provided, single submitter. Criteria: Invitae Variant Classification Sherloc (09022015). Collection method: clinical testing. Allele origin: germline.
Comment: This sequence change replaces asparagine with tyrosine at codon 212 of the CEP290 protein (p.Asn212Tyr). The asparagine residue is moderately conserved and there is a large physicochemical difference between asparagine and tyrosine. This variant is present in population databases (rs527704077, ExAC 0.006%). This variant has not been reported in the literature in individuals affected with CEP290-related conditions. Algorithms developed to predict the effect of missense changes on protein structure and function are either unavailable or do not agree on the potential impact of this missense change (SIFT: "Deleterious"; PolyPhen-2: "Probably Damaging"; Align-GVGD: "Class C0"). In summary, the available evidence is currently insufficient to determine the role of this variant in disease. Therefore, it has been classified as a Variant of Uncertain Significance.

Molecular Endocrinology Laboratory, Christian Medical College
Classification: Uncertain significance for Bardet-Biedl syndrome 14. Review status: criteria provided, single submitter. Criteria: ACMG Guidelines, 2015. Collection method: clinical testing. Allele origin: germline. Affected: yes.

Natera, Inc.
Classification: Uncertain significance for Leber congenital amaurosis. Last evaluated: 2021-05-25. Review status: no assertion criteria provided. Collection method: clinical testing. Allele origin: germline. Not counted in ClinVar's aggregate classification.

NM_025114.4(CEP290):c.634A>T (p.Asn212Tyr)

Gene: CEP290 (centrosomal protein 290; minus strand). Cytogenetic location: 12q21.32.
Variant type: single nucleotide variant.
Coding change: c.634A>T on transcript NM_025114.4 (MANE Select); coding-DNA position 634, A replaced by T.
Protein change: p.Asn212Tyr; replaces asparagine 212 with tyrosine.
Molecular consequence: missense variant.
Genome position (GRCh38, 1-based): chr12:88,130,303, T>A on the plus strand (A>T on the coding strand, the complement: CEP290 is on the minus strand). VCF-style: chr12-88130303-T-A. GRCh37 (hg19) VCF-style: chr12-88524080-T-A.
Other names: c.634A>T (NM_025114.3); short protein forms N212Y.
Identifiers: ClinVar variation 998396 (VCV000998396.5), dbSNP rs527704077, ClinGen allele CA6712723.